The following is an entry in ClinVar:

NC_000021.8:g.(?_44473450)_(44492323_?)dup

Gene: CBS (cystathionine beta-synthase; minus strand). Cytogenetic location: 21q22.3.
Variant type: Duplication.
Identifiers: ClinVar variation 663949 (VCV000663949.2).

ClinVar aggregate classification (germline): Uncertain significance (1 of 4 stars; one submission).

Conditions:
Classic homocystinuria. Also called: Homocystinuria due to Cystathionine Beta-Synthase Deficiency; Homocystinuria due to CBS deficiency; Cystathionine beta-synthase deficiency; CBS deficiency; HOMOCYSTINURIA WITH OR WITHOUT RESPONSE TO PYRIDOXINE. Identifiers: Orphanet 394, MedGen C0751202, MONDO:0009352, OMIM 236200.

Submission:

Labcorp Genetics (formerly Invitae), Labcorp
Classification: Uncertain significance for HYPERHOMOCYSTEINEMIA, THROMBOTIC, CBS-RELATED. Last evaluated: 2019-10-30. Review status: criteria provided, single submitter. Criteria: Invitae Variant Classification Sherloc (09022015). Collection method: clinical testing. Allele origin: germline.
Comment: A gross duplication of the genomic region encompassing the full coding sequence of the CBS gene has been identified. The boundaries of this event are unknown as the duplication extends beyond the assayed region for this gene and therefore may encompass additional genes. As the precise location of this duplication is unknown, it may be in tandem or it may be located elsewhere in the genome. This variant has not been reported in the literature in individuals with CBS-related disease. In summary, the available evidence is currently insufficient to determine the role of this variant in disease. Therefore, it has been classified as a Variant of Uncertain Significance.